The following is an entry in ClinVar:

ClinVar aggregate classification (germline): Benign (1 of 4 stars; one submission).

Conditions:
Glycogen storage disease, type II (IOPD). Also called: Pompe Disease; CARDIOMEGALIA GLYCOGENICA DIFFUSA; GLYCOGENOSIS, GENERALIZED, CARDIAC FORM; GSD II; POMPE DISEASE, INFANTILE-ONSET; GLYCOGEN STORAGE DISEASE II, INFANTILE-ONSET. Identifiers: Orphanet 365, MedGen C0017921, MONDO:0009290, OMIM 232300.

gnomAD v4.1: 4,055 of 152,266 alleles (2.7%); highest among the groups gnomAD compares: Middle Eastern, 5.4%; 65 homozygotes.

Submission:

Genomenon, Inc
Classification: Benign for Glycogen storage disease, type II. Last evaluated: 2026-07-01. Review status: criteria provided, single submitter. Criteria: Genomenon Sequence Variant Interpretation Standards - Updated. Collection method: curation. Allele origin: germline. Affected: no.
Comment: GAA c.1326+460G>A is an intronic variant located in intron 8. This variant is present at high allele frequency in population databases. We classify GAA c.1326+460G>A as a benign variant.

NM_000152.5(GAA):c.1326+460G>A

Gene: GAA (alpha glucosidase; plus strand). Cytogenetic location: 17q25.3.
Variant type: single nucleotide variant.
Coding change: c.1326+460G>A on transcript NM_000152.5 (MANE Select); 460 bases into the intron after coding-DNA position 1326, G replaced by A.
Molecular consequence: intron variant.
Genome position (GRCh38, 1-based): chr17:80,109,288, G>A. VCF-style: chr17-80109288-G-A. GRCh37 (hg19) VCF-style: chr17-78083087-G-A.
Other names: c.1326+460G>A (NM_001406741.1, NM_001406742.1, NM_001079803.3 and 1 more transcripts).
Identifiers: ClinVar variation 4876573 (VCV004876573.1).
Genomic context (GRCh38, chr17:80,109,288, plus strand): 5'-CCCTGGAAAGGACGGCGTGAGTGAGGGCAGCTTCCAGCCCTCATGCTGGCACCACAGAGC[G>A]GAGACTTCTTCCCATCAGCTCCCATAGAAAAGTCCCAAAGCAGGACTCTTGAGTCACCCA-3'